The following is an entry in ClinVar:

ClinVar aggregate classification (germline): Uncertain significance. Review status: criteria provided, multiple submitters, no conflicts (2 of 4 stars). 2 submissions from 2 submitters: Uncertain significance (2). Last evaluated 2024-12-12.

Conditions:
Inborn genetic diseases. Identifiers: MedGen C0950123, MeSH D030342.
Primary ciliary dyskinesia 30. Also called: CILIARY DYSKINESIA, PRIMARY, 30, WITH OR WITHOUT SITUS INVERSUS. Identifiers: Orphanet 244, MedGen C4015016, MONDO:0014465, OMIM 616037.

Allele frequency attached by ClinVar (database versions not stated): 1000 Genomes Project 30x 0.00016; 1000 Genomes Project 0.00020; ESP Exome Variant Server 0.00047.
gnomAD v4.1: 83 of 1,612,050 alleles (0.0051%); highest among the groups gnomAD compares: African/African-American, 0.092%; no homozygotes.

Submissions (2):

Labcorp Genetics (formerly Invitae), Labcorp
Classification: Uncertain significance for Primary ciliary dyskinesia 30. Last evaluated: 2024-12-12. Review status: criteria provided, single submitter. Criteria: Invitae Variant Classification Sherloc (09022015). Collection method: clinical testing. Allele origin: germline.
Comment: This sequence change replaces aspartic acid, which is acidic and polar, with histidine, which is basic and polar, at codon 333 of the CCDC151 protein (p.Asp333His). This variant is present in population databases (rs112797378, gnomAD 0.1%). This variant has not been reported in the literature in individuals affected with CCDC151-related conditions. ClinVar contains an entry for this variant (Variation ID: 1682771). An algorithm developed to predict the effect of missense changes on protein structure and function (PolyPhen-2) suggests that this variant is likely to be disruptive. In summary, the available evidence is currently insufficient to determine the role of this variant in disease. Therefore, it has been classified as a Variant of Uncertain Significance.

Ambry Genetics
Classification: Uncertain significance for Inborn genetic diseases. Last evaluated: 2024-10-08. Review status: criteria provided, single submitter. Criteria: Ambry Variant Classification Scheme 2023. Collection method: clinical testing. Allele origin: germline.

NM_145045.5(ODAD3):c.997G>C (p.Asp333His)

Gene: ODAD3 (outer dynein arm docking complex subunit 3; minus strand). Cytogenetic location: 19p13.2.
Variant type: single nucleotide variant.
Coding change: c.997G>C on transcript NM_145045.5 (MANE Select); coding-DNA position 997, G replaced by C.
Protein change: p.Asp333His; replaces aspartic acid 333 with histidine.
Molecular consequence: missense variant.
Genome position (GRCh38, 1-based): chr19:11,423,996, C>G on the plus strand (G>C on the coding strand, the complement: ODAD3 is on the minus strand). VCF-style: chr19-11423996-C-G. GRCh37 (hg19) VCF-style: chr19-11534665-C-G.
Other names: c.835G>C, p.Asp279His (NM_001302453.1); c.817G>C, p.Asp273His (NM_001302454.2); c.997G>C (NM_145045.4); short protein forms D273H, D279H, D333H.
Identifiers: ClinVar variation 1682771 (VCV001682771.6), dbSNP rs112797378, ClinGen allele CA9212164.